The following is an entry in ClinVar:

ClinVar aggregate classification (germline): Benign/Likely benign. Review status: criteria provided, multiple submitters, no conflicts (2 of 4 stars). 4 submissions from 4 submitters: Benign (2); Likely benign (2). Last evaluated 2026-01-25.

Conditions:
Cardiovascular phenotype. Identifiers: MedGen CN230736.
Andersen Tawil syndrome (LQT7). Also called: LONG QT SYNDROME 7; PERIODIC PARALYSIS, POTASSIUM-SENSITIVE CARDIODYSRHYTHMIC TYPE; Potassium-sensitive periodic paralysis, ventricular ectopy, and dysmorphic features; Andersen Syndrome; ANDERSEN CARDIODYSRHYTHMIC PERIODIC PARALYSIS. Identifiers: Orphanet 37553, MedGen C1563715, MONDO:0008222, OMIM 170390.
Short QT syndrome type 3. Identifiers: Orphanet 51083, MedGen C1865018, MONDO:0012314, OMIM 609622.

Allele frequency attached by ClinVar (database versions not stated): gnomAD exomes 0.00008 and 0.00016; ExAC 0.00026; gnomAD 0.00049 and 0.00050; TOPMed 0.00058; 1000 Genomes Project 30x 0.00078; ESP Exome Variant Server 0.00092; 1000 Genomes Project 0.00100.
gnomAD v4.1: 203 of 1,614,058 alleles (0.013%); highest among the groups gnomAD compares: African/African-American, 0.18%; no homozygotes.

Submissions (4):

Labcorp Genetics (formerly Invitae), Labcorp
Classification: Benign for Short QT syndrome type 3; Andersen Tawil syndrome. Last evaluated: 2026-01-25. Review status: criteria provided, single submitter. Criteria: Invitae Variant Classification Sherloc (09022015). Collection method: clinical testing. Allele origin: germline.

Mayo Clinic Laboratories, Mayo Clinic
Classification: Likely benign. Last evaluated: 2025-07-16. Review status: criteria provided, single submitter. Criteria: ACMG Guidelines, 2015. Collection method: clinical testing. Allele origin: germline. Observed: 1 variant allele.
Comment: BP4, BP7

Ambry Genetics
Classification: Likely benign for Cardiovascular phenotype. Last evaluated: 2017-09-06. Review status: criteria provided, single submitter. Criteria: Ambry Variant Classification Scheme 2023. Collection method: clinical testing. Allele origin: germline.

GeneDx
Classification: Benign. Last evaluated: 2015-08-03. Review status: criteria provided, single submitter. Criteria: GeneDx Variant Classification (06012015). Collection method: clinical testing. Allele origin: germline. Affected: yes.
Comment: This variant is considered likely benign or benign based on one or more of the following criteria: it is a conservative change, it occurs at a poorly conserved position in the protein, it is predicted to be benign by multiple in silico algorithms, and/or has population frequency not consistent with disease.

NM_000891.3(KCNJ2):c.1044C>T (p.Tyr348=)

Gene: KCNJ2 (potassium inwardly rectifying channel subfamily J member 2; plus strand). Cytogenetic location: 17q24.3.
Variant type: single nucleotide variant.
Coding change: c.1044C>T on transcript NM_000891.3 (MANE Select); coding-DNA position 1044, C replaced by T.
Protein change: p.Tyr348=; no amino-acid change (tyrosine 348 retained).
Molecular consequence: synonymous variant.
Genome position (GRCh38, 1-based): chr17:70,176,083, C>T. VCF-style: chr17-70176083-C-T. GRCh37 (hg19) VCF-style: chr17-68172224-C-T.
Other names: p.Tyr348=.
Identifiers: ClinVar variation 378006 (VCV000378006.17), dbSNP rs146330042, ClinGen allele CA8738787.